The following is an entry in ClinVar:

NM_018942.3(HMX1):c.927_935dup (p.307APA[3])

Gene: HMX1 (H6 family homeobox 1; minus strand). Cytogenetic location: 4p16.1.
Variant type: Duplication.
Coding change: c.927_935dup on transcript NM_018942.3 (MANE Select); coding-DNA positions 927 to 935, 9 bases duplicated (CGCGCCCGC; older notation c.927_935dupCGCGCCCGC).
Protein change: p.307APA[3].
Molecular consequence: inframe insertion. On other transcripts: intron variant (1).
Genome position (GRCh38, 1-based): chr4:8,867,805-8,867,813, GCGGGCGCG duplicated on the plus strand (CGCGCCCGC on the coding strand, the reverse complement: HMX1 is on the minus strand); duplicating any 9 consecutive bases within chr4:8,867,805-8,867,821 gives the same sequence; the c. name uses the placement nearest the transcript's 3' end. VCF-style (leftmost placement, unchanged base first): chr4-8867804-C-CGCGGGCGCG. GRCh37 (hg19) VCF-style: chr4-8869530-C-CGCGGGCGCG.
Other names: c.394+3408_394+3416dup (NM_001306142.2).
Identifiers: ClinVar variation 1385364 (VCV001385364.8), dbSNP rs1190120761, ClinGen allele CA799661375.

ClinVar aggregate classification (germline): Uncertain significance (1 of 4 stars; one submission).

Submission:

Labcorp Genetics (formerly Invitae), Labcorp
Classification: Uncertain significance. Last evaluated: 2021-06-18. Review status: criteria provided, single submitter. Criteria: Invitae Variant Classification Sherloc (09022015). Collection method: clinical testing. Allele origin: germline.
Comment: In summary, the available evidence is currently insufficient to determine the role of this variant in disease. Therefore, it has been classified as a Variant of Uncertain Significance. Experimental studies and prediction algorithms are not available or were not evaluated, and the functional significance of this variant is currently unknown. This variant has not been reported in the literature in individuals with HMX1-related conditions. The frequency data for this variant in the population databases is considered unreliable, as metrics indicate insufficient coverage at this position in the ExAC database. This variant, c.927_935dup, results in the insertion of 3 amino acid(s) to the HMX1 protein (p.Ala310_Ala312dup), but otherwise preserves the integrity of the reading frame.